The following is an entry in ClinVar:

ClinVar aggregate classification (germline): Uncertain significance (1 of 4 stars; one submission).

Conditions:
STAT3 gain of function. Identifiers: MedGen C4288261.
Hyper-IgE recurrent infection syndrome 1, autosomal dominant. Also called: STAT3 Hyper IgE Syndrome; HYPER-IgE SYNDROME 1, AUTOSOMAL DOMINANT, WITH RECURRENT INFECTIONS; JOB SYNDROME; Job's Syndrome; Hyper-IgE recurrent infection syndrome 1. Identifiers: Orphanet 2314, MedGen C2936739, MONDO:0007818, OMIM 147060.

Submission:

Labcorp Genetics (formerly Invitae), Labcorp
Classification: Uncertain significance for STAT3 gain of function; Hyper-IgE recurrent infection syndrome 1, autosomal dominant. Last evaluated: 2021-05-17. Review status: criteria provided, single submitter. Criteria: Invitae Variant Classification Sherloc (09022015). Collection method: clinical testing. Allele origin: germline.
Comment: In summary, the available evidence is currently insufficient to determine the role of this variant in disease. Therefore, it has been classified as a Variant of Uncertain Significance. Advanced modeling of protein sequence and biophysical properties (such as structural, functional, and spatial information, amino acid conservation, physicochemical variation, residue mobility, and thermodynamic stability) performed at Invitae indicates that this missense variant is not expected to disrupt STAT3 protein function. This variant has not been reported in the literature in individuals with STAT3-related conditions. This variant is not present in population databases (ExAC no frequency). This sequence change replaces arginine with leucine at codon 103 of the STAT3 protein (p.Arg103Leu). The arginine residue is moderately conserved and there is a moderate physicochemical difference between arginine and leucine.

NM_139276.3(STAT3):c.308G>T (p.Arg103Leu)

Gene: STAT3 (signal transducer and activator of transcription 3; minus strand). Cytogenetic location: 17q21.2.
Variant type: single nucleotide variant.
Coding change: c.308G>T on transcript NM_139276.3 (MANE Select); coding-DNA position 308, G replaced by T.
Protein change: p.Arg103Leu; replaces arginine 103 with leucine.
Molecular consequence: missense variant. On other transcripts: intron variant (1).
Genome position (GRCh38, 1-based): chr17:42,345,623, C>A on the plus strand (G>T on the coding strand, the complement: STAT3 is on the minus strand). VCF-style: chr17-42345623-C-A. GRCh37 (hg19) VCF-style: chr17-40497641-C-A.
Other names: c.308G>T, p.Arg103Leu (NM_001369512.1, NM_001369513.1, NM_001369514.1 and 16 more transcripts); c.274-44G>T (NM_001384985.1); short protein forms R103L.
Identifiers: ClinVar variation 1487232 (VCV001487232.8), dbSNP rs1417279405, ClinGen allele CA399596585.